The following is an entry in ClinVar:

ClinVar aggregate classification (germline): Uncertain significance (1 of 4 stars; one submission).

Conditions:
Hereditary cancer-predisposing syndrome. Also called: Tumor predisposition; Hereditary neoplastic syndrome; Hereditary Cancer Syndrome; Neoplastic Syndromes, Hereditary. Identifiers: Orphanet 140162, MedGen C0027672, MeSH D009386, MONDO:0015356.

Submission:

Ambry Genetics
Classification: Uncertain significance for Hereditary cancer-predisposing syndrome. Last evaluated: 2025-04-04. Review status: criteria provided, single submitter. Criteria: Ambry Variant Classification Scheme 2023. Collection method: clinical testing. Allele origin: germline.
Comment: The p.K842T variant (also known as c.2525A>C), located in coding exon 15 of the PTCH1 gene, results from an A to C substitution at nucleotide position 2525. The lysine at codon 842 is replaced by threonine, an amino acid with similar properties. This amino acid position is conserved. In addition, the in silico prediction for this alteration is inconclusive. Based on the available evidence, the clinical significance of this variant remains unclear.

NM_000264.5(PTCH1):c.2525A>C (p.Lys842Thr)

Genes: PTCH1 (patched 1; minus strand), LOC100507346 (uncharacterized LOC100507346; plus strand). Cytogenetic location: 9q22.32.
Variant type: single nucleotide variant.
Coding change: c.2525A>C on transcript NM_000264.5 (MANE Select); coding-DNA position 2525, A replaced by C.
Protein change: p.Lys842Thr; replaces lysine 842 with threonine.
Molecular consequence: missense variant. On other transcripts: non-coding transcript variant (2).
Genome position (GRCh38, 1-based): chr9:95,467,151, T>G on the plus strand (A>C on the coding strand, the complement: PTCH1 is on the minus strand). VCF-style: chr9-95467151-T-G. GRCh37 (hg19) VCF-style: chr9-98229433-T-G.
Other names: c.2327A>C, p.Lys776Thr (NM_001083602.3); c.2522A>C, p.Lys841Thr (NM_001083603.3); c.2072A>C, p.Lys691Thr (NM_001083604.3, NM_001083605.3, NM_001083606.3 and 1 more transcripts); c.2369A>C, p.Lys790Thr (NM_001354918.2); short protein forms K776T, K790T, K842T, K841T, K691T.
Identifiers: ClinVar variation 3939940 (VCV003939940.1).
Genomic context (GRCh38, chr9:95,467,151, plus strand): 5'-ACGAGAGCCTCCCACGCCGTCTTACCCTGAAGCCAGTCTCTGAAGTAGTGCAGCCACATT[T>G]TGGGAAGCTGTTTGTTTTCTTCCAACATGACATACTTCACGTTACTGAAACTCCTGTGTA-3'
Protein context (NP_000255.2, residues 832-852): VMLEENKQLP[Lys842Thr]MWLHYFRDWL